The following is an entry in ClinVar:

NM_000094.4(COL7A1):c.5015del (p.Lys1672fs)

Gene: COL7A1 (collagen type VII alpha 1 chain; minus strand). Cytogenetic location: 3p21.31.
Variant type: Deletion.
Coding change: c.5015del on transcript NM_000094.4 (MANE Select); coding-DNA position 5015, one base deleted (A; older notation c.5015delA).
Protein change: p.Lys1672fs; shifts the reading frame from lysine 1672.
Molecular consequence: frameshift variant.
Genome position (GRCh38, 1-based): chr3:48,580,618, T deleted on the plus strand (A on the coding strand, the reverse complement: COL7A1 is on the minus strand); the first of 4 consecutive T bases (chr3:48,580,618-48,580,621); deleting any one gives the same sequence. VCF-style (leftmost placement, unchanged base first): chr3-48580617-CT-C. GRCh37 (hg19) VCF-style: chr3-48618050-CT-C.
Other names: c.5015delA (NM_000094.3); short protein forms K1672fs.
Identifiers: ClinVar variation 418885 (VCV000418885.8), dbSNP rs1064793499, ClinGen allele CA16617985.
Genomic context (GRCh38, chr3:48,580,617, plus strand): 5'-GAGGAGTCATAGGCTGGGACTCACATTTCGTCCATCCTCTCCAGGATCTCCCTGGTCTCC[CT>C]TTTCACCCACAGGCCCCCGAACTCCAGGTGCCCCCTAAGAAGAGCAGCTGGCCTGAGACA-3'

ClinVar aggregate classification (germline): Pathogenic. Review status: criteria provided, multiple submitters, no conflicts (2 of 4 stars). 3 submissions from 3 submitters: Pathogenic (3). Last evaluated 2025-05-15.

Conditions:
Epidermolysis bullosa dystrophica. Also called: Dystrophic epidermolysis bullosa, Hallopeau-Siemens type (formerly); Dystrophic epidermolysis bullosa. Identifiers: Orphanet 303, MedGen C0079294, MONDO:0006543.

Submissions (3):

Labcorp Genetics (formerly Invitae), Labcorp
Classification: Pathogenic. Last evaluated: 2025-05-15. Review status: criteria provided, single submitter. Criteria: Invitae Variant Classification Sherloc (09022015). Collection method: clinical testing. Allele origin: germline.
Comment: This sequence change creates a premature translational stop signal (p.Lys1672Argfs*38) in the COL7A1 gene. It is expected to result in an absent or disrupted protein product. Loss-of-function variants in COL7A1 are known to be pathogenic (PMID: 16971478). This variant is not present in population databases (gnomAD no frequency). This premature translational stop signal has been observed in individual(s) with autosomal recessive epidermolysis bullosa (PMID: 9740253). In at least one individual the data is consistent with being in trans (on the opposite chromosome) from a pathogenic variant. This variant is also known as 5012delA. ClinVar contains an entry for this variant (Variation ID: 418885). Algorithms developed to predict the effect of sequence changes on RNA splicing suggest that this variant may disrupt the consensus splice site. For these reasons, this variant has been classified as Pathogenic.

Natera, Inc.
Classification: Pathogenic for Dystrophic epidermolysis bullosa. Last evaluated: 2025-01-27. Review status: criteria provided, single submitter. Criteria: Natera Variant Classification Schema (03/2026). Collection method: clinical testing. Allele origin: germline.
Comment: The c.5015delA variant in COL7A1 is a frameshift variant predicted to shift the reading frame beginning at codon 1672 and leads to a stop codon 38 codons downstream. This variant is expected to result in nonsense mediated decay, truncation, or a dysfunctional protein product. This variant is rare in the general population with a frequency below the threshold expected for the associated phenotype(s). This variant has been observed in one or more individuals affected with the associated recessive disease, as either homozygous or compound heterozygous with a second variant (PMID: 9740253). Given the available evidence, this variant is classified as Pathogenic.

GeneDx
Classification: Pathogenic. Last evaluated: 2015-04-27. Review status: criteria provided, single submitter. Criteria: GeneDx Variant Classification (06012015). Collection method: clinical testing. Allele origin: germline. Affected: yes.
Comment: The c.5015delA variant in the COL7A1 gene has been reported previously in association with RDEB(Kon et al., 1998). The deletion causes a frameshiftstarting with codon Lys1672, changes this amino acid to a Arginine residue and creates a premature Stopcodon at position 38 of the new reading frame, denoted p.Lys1672ArgfsX38. This deletion is predicted tocause loss of normal protein function either through protein truncation or nonsense-mediated mRNAdecay. Therefore, we interpret this variant as pathogenic.

Literature cited by the submitters: PubMed 16971478 (cited by Labcorp Genetics (formerly Invitae), Labcorp); PubMed 9740253 (cited by Labcorp Genetics (formerly Invitae), Labcorp and Natera, Inc.).